The following is an entry in ClinVar:

ClinVar aggregate classification (germline): Pathogenic (1 of 4 stars; one submission).

Submission:

Labcorp Genetics (formerly Invitae), Labcorp
Classification: Pathogenic. Last evaluated: 2024-10-16. Review status: criteria provided, single submitter. Criteria: Invitae Variant Classification Sherloc (09022015). Collection method: clinical testing. Allele origin: germline.
Comment: This sequence change creates a premature translational stop signal (p.Tyr4708*) in the USH2A gene. It is expected to result in an absent or disrupted protein product. Loss-of-function variants in USH2A are known to be pathogenic (PMID: 10729113, 10909849, 20507924, 25649381). This variant is not present in population databases (gnomAD no frequency). This variant has not been reported in the literature in individuals affected with USH2A-related conditions. ClinVar contains an entry for this variant (Variation ID: 1069656). For these reasons, this variant has been classified as Pathogenic.

Literature cited by the submitters: PubMed 10729113; PubMed 10909849; PubMed 20507924; PubMed 25649381.

NM_206933.4(USH2A):c.14124T>G (p.Tyr4708Ter)

Gene: USH2A (usherin; minus strand). Cytogenetic location: 1q41.
Variant type: single nucleotide variant.
Coding change: c.14124T>G on transcript NM_206933.4 (MANE Select); coding-DNA position 14124, T replaced by G.
Protein change: p.Tyr4708Ter; replaces tyrosine 4708 with a stop codon.
Molecular consequence: nonsense.
Genome position (GRCh38, 1-based): chr1:215,670,981, A>C on the plus strand (T>G on the coding strand, the complement: USH2A is on the minus strand). VCF-style: chr1-215670981-A-C. GRCh37 (hg19) VCF-style: chr1-215844323-A-C.
Other names: short protein forms Y4708*.
Identifiers: ClinVar variation 1069656 (VCV001069656.7), dbSNP rs2102661156, ClinGen allele CA344839995.